The following is an entry in ClinVar:

ClinVar aggregate classification (germline): Conflicting classifications of pathogenicity. Review status: criteria provided, conflicting classifications (1 of 4 stars). 2 submissions from 2 submitters: Uncertain significance (1); Likely benign (1). Last evaluated 2025-05-14.

Conditions:
KIF21A-related disorder. Also called: KIF21A-related condition.
Inborn genetic diseases. Identifiers: MedGen C0950123, MeSH D030342.

gnomAD v4.1: 60 of 1,613,828 alleles (0.0037%); highest among the groups gnomAD compares: Middle Eastern, 0.082%; no homozygotes.

Submissions (2):

PreventionGenetics, part of Exact Sciences
Classification: Likely benign for KIF21A-related condition. Last evaluated: 2025-05-14. Review status: criteria provided, single submitter. Criteria: ACMG Guidelines, 2015. Collection method: clinical testing. Allele origin: germline.
Comment: This variant is classified as likely benign based on ACMG/AMP sequence variant interpretation guidelines (Richards et al. 2015 PMID: 25741868, with internal and published modifications).

Ambry Genetics
Classification: Uncertain significance for Inborn genetic diseases. Last evaluated: 2024-03-15. Review status: criteria provided, single submitter. Criteria: Ambry Variant Classification Scheme 2023. Collection method: clinical testing. Allele origin: germline.

NM_001173464.2(KIF21A):c.2882G>A (p.Arg961Gln)

Gene: KIF21A (kinesin family member 21A; minus strand). Cytogenetic location: 12q12.
Variant type: single nucleotide variant.
Coding change: c.2882G>A on transcript NM_001173464.2 (MANE Select); coding-DNA position 2882, G replaced by A.
Protein change: p.Arg961Gln; replaces arginine 961 with glutamine.
Molecular consequence: missense variant.
Genome position (GRCh38, 1-based): chr12:39,332,383, C>T on the plus strand (G>A on the coding strand, the complement: KIF21A is on the minus strand). VCF-style: chr12-39332383-C-T. GRCh37 (hg19) VCF-style: chr12-39726185-C-T.
Other names: c.2882G>A (NM_001173464.1); c.2843G>A, p.Arg948Gln (NM_001173463.2, NM_001378441.1, NM_017641.4); c.2774G>A, p.Arg925Gln (NM_001173465.2); c.2882G>A, p.Arg961Gln (NM_001378439.1, NM_001378440.1); short protein forms R961Q, R948Q, R925Q.
Identifiers: ClinVar variation 3288510 (VCV003288510.2).